The following is an entry in ClinVar:

ClinVar aggregate classification (germline): Uncertain significance (1 of 4 stars; one submission).

Conditions:
46,XY sex reversal 6. Also called: 46,XY SEX REVERSAL, PARTIAL OR COMPLETE, MAP3K1-RELATED; 46,XY GONADAL DYSGENESIS, PARTIAL OR COMPLETE, MAP3K1-RELATED. Identifiers: MedGen C3151064, MONDO:0013410, OMIM 613762.

Allele frequency attached by ClinVar (database versions not stated): gnomAD exomes below 0.00001.
gnomAD v4.1: 1 of 1,614,152 alleles (0.000062%); highest among the groups gnomAD compares: South Asian, 0.0011%; no homozygotes.

Submission:

Labcorp Genetics (formerly Invitae), Labcorp
Classification: Uncertain significance for 46,XY sex reversal 6. Last evaluated: 2023-12-28. Review status: criteria provided, single submitter. Criteria: Invitae Variant Classification Sherloc (09022015). Collection method: clinical testing. Allele origin: germline.
Comment: This sequence change replaces glutamine, which is neutral and polar, with arginine, which is basic and polar, at codon 1248 of the MAP3K1 protein (p.Gln1248Arg). This variant is not present in population databases (gnomAD no frequency). This variant has not been reported in the literature in individuals affected with MAP3K1-related conditions. Advanced modeling of protein sequence and biophysical properties (such as structural, functional, and spatial information, amino acid conservation, physicochemical variation, residue mobility, and thermodynamic stability) has been performed at Invitae for this missense variant, however the output from this modeling did not meet the statistical confidence thresholds required to predict the impact of this variant on MAP3K1 protein function. In summary, the available evidence is currently insufficient to determine the role of this variant in disease. Therefore, it has been classified as a Variant of Uncertain Significance.

NM_005921.2(MAP3K1):c.3743A>G (p.Gln1248Arg)

Gene: MAP3K1 (mitogen-activated protein kinase kinase kinase 1; plus strand). Cytogenetic location: 5q11.2.
Variant type: single nucleotide variant.
Coding change: c.3743A>G on transcript NM_005921.2 (MANE Select); coding-DNA position 3743, A replaced by G.
Protein change: p.Gln1248Arg; replaces glutamine 1248 with arginine.
Molecular consequence: missense variant.
Genome position (GRCh38, 1-based): chr5:56,883,603, A>G. VCF-style: chr5-56883603-A-G. GRCh37 (hg19) VCF-style: chr5-56179430-A-G.
Other names: short protein forms Q1248R.
Identifiers: ClinVar variation 2706135 (VCV002706135.3), dbSNP rs2530960579, ClinGen allele CA359789525.
Genomic context (GRCh38, chr5:56,883,603, plus strand): 5'-CAGGACATACCAAAGCAAAACAACCGTATAGAGAAGACACTGAATGGCTGAAAGGTCAAC[A>G]GATAGGCCTTGGAGCATTTTCTTCTTGTTATCAGGCTCAAGATGTGGGAACTGGAACTTT-3'
Protein context (NP_005912.1, residues 1238-1258): REDTEWLKGQ[Gln1248Arg]IGLGAFSSCY